The following is an entry in ClinVar:

NM_000051.4(ATM):c.2149C>A (p.Arg717=)

Gene: ATM (ATM serine/threonine kinase; plus strand). Cytogenetic location: 11q22.3.
Variant type: single nucleotide variant.
Coding change: c.2149C>A on transcript NM_000051.4 (MANE Select); coding-DNA position 2149, C replaced by A.
Protein change: p.Arg717=; no amino-acid change (arginine 717 retained).
Molecular consequence: synonymous variant.
Genome position (GRCh38, 1-based): chr11:108,256,239, C>A. VCF-style: chr11-108256239-C-A. GRCh37 (hg19) VCF-style: chr11-108126966-C-A.
Other names: c.2149C>A, p.Arg717= (NM_001351834.2).
Identifiers: ClinVar variation 820787 (VCV000820787.15), dbSNP rs147515380, ClinGen allele CA476672494.

ClinVar aggregate classification (germline): Conflicting classifications of pathogenicity. Review status: criteria provided, conflicting classifications (1 of 4 stars). 2 submissions from 2 submitters: Likely pathogenic (1); Uncertain significance (1). Last evaluated 2025-08-11.

Conditions:
Hereditary cancer-predisposing syndrome. Also called: Hereditary Cancer Syndrome; Neoplastic Syndromes, Hereditary; Hereditary neoplastic syndrome; Tumor predisposition. Identifiers: Orphanet 140162, MedGen C0027672, MeSH D009386, MONDO:0015356.
Ataxia-telangiectasia syndrome (AT). Also called: Cerebello-oculocutaneous telangiectasia; Immunodeficiency with ataxia telangiectasia; Ataxia-telangiectasia, complementation group E; Ataxia-telangiectasia, complementation group D; AT, COMPLEMENTATION GROUP C; ATAXIA-TELANGIECTASIA, COMPLEMENTATION GROUP A. Identifiers: Orphanet 100, MedGen C0004135, MONDO:0008840, OMIM 208900.

gnomAD v4.1: 1 of 1,606,618 alleles (0.000062%); highest among the groups gnomAD compares: Non-Finnish European, 0.000085%; no homozygotes.

Submissions (2):

Labcorp Genetics (formerly Invitae), Labcorp
Classification: Uncertain significance for Ataxia-telangiectasia syndrome. Last evaluated: 2025-08-11. Review status: criteria provided, single submitter. Criteria: Invitae Variant Classification Sherloc (09022015). Collection method: clinical testing. Allele origin: germline.
Comment: This sequence change affects codon 717 of the ATM mRNA. It is a 'silent' change, meaning that it does not change the encoded amino acid sequence of the ATM protein. RNA analysis indicates that this variant induces altered splicing and may result in an absent or altered protein product. This variant is not present in population databases (gnomAD no frequency). This variant has not been reported in the literature in individuals affected with ATM-related conditions. ClinVar contains an entry for this variant (Variation ID: 820787). Studies have shown that this variant results in activation of a cryptic splice site, and produces a non-functional protein and/or introduces a premature termination codon (internal data). In summary, the available evidence is currently insufficient to determine the role of this variant in disease. Therefore, it has been classified as a Variant of Uncertain Significance.

Ambry Genetics
Classification: Likely pathogenic for Hereditary cancer-predisposing syndrome. Last evaluated: 2023-08-22. Review status: criteria provided, single submitter. Criteria: Ambry Variant Classification Scheme 2023. Collection method: clinical testing. Allele origin: germline.
Comment: The c.2149C>A variant (also known as p.R717R), located in coding exon 13 of the ATM gene, results from a C to A substitution at nucleotide position 2149. This nucleotide substitution does not change the amino acid at codon 717. This nucleotide position is highly conserved in available vertebrate species. This nucleotide position is highly conserved in available vertebrate species. In silico splice site analysis predicts that this alteration may weaken the native splice acceptor site and will result in the creation or strengthening of a novel splice acceptor site. RNA studies have demonstrated that this alteration results in abnormal splicing in the set of samples tested (Ambry internal data). Based on the majority of available evidence to date, this variant is likely to be pathogenic.